The following is an entry in ClinVar:

NM_181303.2(NLGN3):c.247C>T (p.Arg83Cys)

Gene: NLGN3 (neuroligin 3; plus strand). Cytogenetic location: Xq13.1.
Variant type: single nucleotide variant.
Coding change: c.247C>T on transcript NM_181303.2 (MANE Select); coding-DNA position 247, C replaced by T.
Protein change: p.Arg83Cys; replaces arginine 83 with cysteine.
Molecular consequence: missense variant. On other transcripts: intron variant (1).
Genome position (GRCh38, 1-based): chrX:71,147,996, C>T. VCF-style: chrX-71147996-C-T. GRCh37 (hg19) VCF-style: chrX-70367846-C-T.
Other names: c.247C>T, p.Arg83Cys (NM_001166660.2, NM_018977.4); c.-38-67C>T (NM_001321276.2); short protein forms R83C.
Identifiers: ClinVar variation 1305145 (VCV001305145.3), dbSNP rs2147861944, ClinGen allele CA413547738.

ClinVar aggregate classification (germline): Uncertain significance (1 of 4 stars; one submission).

Submission:

GeneDx
Classification: Uncertain significance. Last evaluated: 2026-07-28. Review status: criteria provided, single submitter. Criteria: GeneDx Variant Classification Process June 2021. Collection method: clinical testing. Allele origin: germline.
Comment: Not observed at significant frequency in large population cohorts (gnomAD); In silico analysis supports that this missense variant has a deleterious effect on protein structure/function; Has not been previously published as pathogenic or benign to our knowledge